The following is an entry in ClinVar:

NM_015164.4(PLEKHM2):c.1975G>T (p.Asp659Tyr)

Gene: PLEKHM2 (pleckstrin homology and RUN domain containing M2; plus strand). Cytogenetic location: 1p36.21.
Variant type: single nucleotide variant.
Coding change: c.1975G>T on transcript NM_015164.4 (MANE Select); coding-DNA position 1975, G replaced by T.
Protein change: p.Asp659Tyr; replaces aspartic acid 659 with tyrosine.
Molecular consequence: missense variant.
Genome position (GRCh38, 1-based): chr1:15,728,722, G>T. VCF-style: chr1-15728722-G-T. GRCh37 (hg19) VCF-style: chr1-16055217-G-T.
Other names: short protein forms D659Y.
Identifiers: ClinVar variation 1470095 (VCV001470095.8), dbSNP rs2148374720, ClinGen allele CA338569191.

ClinVar aggregate classification (germline): Uncertain significance (1 of 4 stars; one submission).

Submission:

Labcorp Genetics (formerly Invitae), Labcorp
Classification: Uncertain significance. Last evaluated: 2025-06-09. Review status: criteria provided, single submitter. Criteria: Invitae Variant Classification Sherloc (09022015). Collection method: clinical testing. Allele origin: germline.
Comment: This sequence change replaces aspartic acid, which is acidic and polar, with tyrosine, which is neutral and polar, at codon 659 of the PLEKHM2 protein (p.Asp659Tyr). This variant is not present in population databases (gnomAD no frequency). This variant has not been reported in the literature in individuals affected with PLEKHM2-related conditions. ClinVar contains an entry for this variant (Variation ID: 1470095). An algorithm developed to predict the effect of missense changes on protein structure and function (PolyPhen-2) suggests that this variant is likely to be disruptive. In summary, the available evidence is currently insufficient to determine the role of this variant in disease. Therefore, it has been classified as a Variant of Uncertain Significance.